The following is an entry in ClinVar:

NM_024700.4(SNIP1):c.110A>G (p.Glu37Gly)

Gene: SNIP1 (Smad nuclear interacting protein 1; minus strand). Cytogenetic location: 1p34.3.
Variant type: single nucleotide variant.
Coding change: c.110A>G on transcript NM_024700.4 (MANE Select); coding-DNA position 110, A replaced by G.
Protein change: p.Glu37Gly; replaces glutamic acid 37 with glycine.
Molecular consequence: missense variant.
Genome position (GRCh38, 1-based): chr1:37,554,120, T>C on the plus strand (A>G on the coding strand, the complement: SNIP1 is on the minus strand). VCF-style: chr1-37554120-T-C. GRCh37 (hg19) VCF-style: chr1-38019721-T-C.
Other names: short protein forms E37G.
Identifiers: ClinVar variation 3648660 (VCV003648660.2).

ClinVar aggregate classification (germline): Uncertain significance (1 of 4 stars; one submission).

Submission:

Labcorp Genetics (formerly Invitae), Labcorp
Classification: Uncertain significance. Last evaluated: 2024-04-03. Review status: criteria provided, single submitter. Criteria: Invitae Variant Classification Sherloc (09022015). Collection method: clinical testing. Allele origin: germline.
Comment: This sequence change replaces glutamic acid, which is acidic and polar, with glycine, which is neutral and non-polar, at codon 37 of the SNIP1 protein (p.Glu37Gly). This variant is not present in population databases (gnomAD no frequency). This variant has not been reported in the literature in individuals affected with SNIP1-related conditions. An algorithm developed to predict the effect of missense changes on protein structure and function (PolyPhen-2) suggests that this variant is likely to be tolerated. In summary, the available evidence is currently insufficient to determine the role of this variant in disease. Therefore, it has been classified as a Variant of Uncertain Significance.